The following is an entry in ClinVar:

NM_052865.4(MGME1):c.52T>C (p.Phe18Leu)

Genes: MGME1 (mitochondrial genome maintenance exonuclease 1; plus strand), LOC126862983 (CDK7 strongly-dependent group 2 enhancer GRCh37_chr20:17950167-17951366; plus strand). Cytogenetic location: 20p11.23.
Variant type: single nucleotide variant.
Coding change: c.52T>C on transcript NM_052865.4 (MANE Select); coding-DNA position 52, T replaced by C.
Protein change: p.Phe18Leu; replaces phenylalanine 18 with leucine.
Molecular consequence: missense variant.
Genome position (GRCh38, 1-based): chr20:17,969,911, T>C. VCF-style: chr20-17969911-T-C. GRCh37 (hg19) VCF-style: chr20-17950554-T-C.
Other names: c.52T>C, p.Phe18Leu (NM_001310338.2, NM_001310339.2, NM_001363738.2); c.52T>C (NM_052865.2); short protein forms F18L.
Identifiers: ClinVar variation 1932286 (VCV001932286.6), dbSNP rs565661388, ClinGen allele CA9774869.

ClinVar aggregate classification (germline): Uncertain significance. Review status: criteria provided, multiple submitters, no conflicts (2 of 4 stars). 2 submissions from 2 submitters: Uncertain significance (2). Last evaluated 2023-05-18.

Conditions:
Inborn genetic diseases. Identifiers: MedGen C0950123, MeSH D030342.

Allele frequency attached by ClinVar (database versions not stated): gnomAD 0.00002; gnomAD exomes 0.00002; TOPMed 0.00002; ExAC 0.00003; 1000 Genomes Project 0.00020; 1000 Genomes Project 30x 0.00031.

Submissions (2):

Ambry Genetics
Classification: Uncertain significance for Inborn genetic diseases. Last evaluated: 2023-05-18. Review status: criteria provided, single submitter. Criteria: Ambry Variant Classification Scheme 2023. Collection method: clinical testing. Allele origin: germline.

Labcorp Genetics (formerly Invitae), Labcorp
Classification: Uncertain significance. Last evaluated: 2022-06-20. Review status: criteria provided, single submitter. Criteria: Invitae Variant Classification Sherloc (09022015). Collection method: clinical testing. Allele origin: germline.
Comment: This variant has not been reported in the literature in individuals affected with MGME1-related conditions. This sequence change replaces phenylalanine, which is neutral and non-polar, with leucine, which is neutral and non-polar, at codon 18 of the MGME1 protein (p.Phe18Leu). This variant is present in population databases (rs565661388, gnomAD 0.05%). Algorithms developed to predict the effect of missense changes on protein structure and function output the following: SIFT: "Tolerated"; PolyPhen-2: "Benign"; Align-GVGD: "Class C0". The leucine amino acid residue is found in multiple mammalian species, which suggests that this missense change does not adversely affect protein function. In summary, the available evidence is currently insufficient to determine the role of this variant in disease. Therefore, it has been classified as a Variant of Uncertain Significance.